The following is an entry in ClinVar:

NM_181703.4(GJA5):c.836T>C (p.Phe279Ser)

Genes: GJA5 (gap junction protein alpha 5; minus strand), LOC122128420 (Sharpr-MPRA regulatory region 3144; plus strand). Cytogenetic location: 1q21.2.
Variant type: single nucleotide variant.
Coding change: c.836T>C on transcript NM_181703.4 (MANE Select); coding-DNA position 836, T replaced by C.
Protein change: p.Phe279Ser; replaces phenylalanine 279 with serine.
Molecular consequence: missense variant.
Genome position (GRCh38, 1-based): chr1:147,758,403, A>G on the plus strand (T>C on the coding strand, the complement: GJA5 is on the minus strand). VCF-style: chr1-147758403-A-G. GRCh37 (hg19) VCF-style: chr1-147230511-A-G.
Other names: c.836T>C, p.Phe279Ser (NM_005266.7); short protein forms F279S.
Identifiers: ClinVar variation 2664200 (VCV002664200.1), dbSNP rs2524608646, ClinGen allele CA342394399.

ClinVar aggregate classification (germline): Uncertain significance (1 of 4 stars; one submission).

Conditions:
Atrial standstill 1 (ATRST1). Also called: Atrial standstill, digenic (GJA5/SCN5A); ATRIAL CARDIOMYOPATHY WITH HEART BLOCK; CARDIOMYOPATHY, FAMILIAL, WITH CONDUCTION DISTURBANCE. Identifiers: Orphanet 1344, MedGen C4551959, MONDO:0007171, OMIM 108770.

Submission:

Neuberg Centre For Genomic Medicine, NCGM
Classification: Uncertain significance for Atrial standstill 1. Review status: criteria provided, single submitter. Criteria: ACMG Guidelines, 2015. Collection method: clinical testing. Allele origin: germline. Inheritance: Autosomal dominant inheritance. Affected: yes.
Comment: The missense c.836T>C(p.Phe279Ser) variant in GJA5 gene has not been reported previously as a pathogenic variant nor as a benign variant, to our knowledge. The p.Phe279Ser variant is novel (not in any individuals) in gnomAD Exomes and 1000 Genomes database. This variant has not been reported to the ClinVar database. The amino acid Phe at position 279 is changed to a Ser changing protein sequence and it might alter its composition and physico-chemical properties. For these reasons, this variant has been classified as Variant of Uncertain Significance (VUS).